The following is an entry in ClinVar:

ClinVar aggregate classification (germline): Uncertain significance (1 of 4 stars; one submission).

Allele frequency attached by ClinVar (database versions not stated): gnomAD 0.00001; TOPMed 0.00001; gnomAD exomes 0.00002.
gnomAD v4.1: 27 of 1,612,424 alleles (0.0017%); highest among the groups gnomAD compares: Non-Finnish European, 0.0023%; no homozygotes.

Submission:

Labcorp Genetics (formerly Invitae), Labcorp
Classification: Uncertain significance. Last evaluated: 2022-03-09. Review status: criteria provided, single submitter. Criteria: Invitae Variant Classification Sherloc (09022015). Collection method: clinical testing. Allele origin: germline.
Comment: This sequence change replaces cysteine, which is neutral and slightly polar, with arginine, which is basic and polar, at codon 939 of the SLC12A6 protein (p.Cys939Arg). This variant is present in population databases (no rsID available, gnomAD 0.0009%). This variant has not been reported in the literature in individuals affected with SLC12A6-related conditions. Advanced modeling of protein sequence and biophysical properties (such as structural, functional, and spatial information, amino acid conservation, physicochemical variation, residue mobility, and thermodynamic stability) performed at Invitae indicates that this missense variant is expected to disrupt SLC12A6 protein function. In summary, the available evidence is currently insufficient to determine the role of this variant in disease. Therefore, it has been classified as a Variant of Uncertain Significance.

NM_001365088.1(SLC12A6):c.2815T>C (p.Cys939Arg)

Gene: SLC12A6 (solute carrier family 12 member 6; minus strand). Cytogenetic location: 15q14.
Variant type: single nucleotide variant.
Coding change: c.2815T>C on transcript NM_001365088.1 (MANE Select); coding-DNA position 2815, T replaced by C.
Protein change: p.Cys939Arg; replaces cysteine 939 with arginine.
Molecular consequence: missense variant.
Genome position (GRCh38, 1-based): chr15:34,237,538, A>G on the plus strand (T>C on the coding strand, the complement: SLC12A6 is on the minus strand). VCF-style: chr15-34237538-A-G. GRCh37 (hg19) VCF-style: chr15-34529739-A-G.
Other names: c.2638T>C, p.Cys880Arg (NM_001042494.2, NM_001042495.2); c.2788T>C, p.Cys930Arg (NM_001042496.2); c.2770T>C, p.Cys924Arg (NM_001042497.2); c.2662T>C, p.Cys888Arg (NM_005135.2); c.2815T>C, p.Cys939Arg (NM_133647.2); short protein forms C924R, C939R, C888R, C880R, C930R.
Identifiers: ClinVar variation 2154993 (VCV002154993.1), dbSNP rs949722994, ClinGen allele CA268659979.